The following is an entry in ClinVar:

ClinVar aggregate classification (germline): Uncertain significance (1 of 4 stars; one submission).

Submission:

CeGaT Center for Human Genetics Tuebingen
Classification: Uncertain significance. Last evaluated: 2025-05-01. Review status: criteria provided, single submitter. Criteria: CeGaT Center For Human Genetics Tuebingen Variant Classification Criteria Version 2. Collection method: clinical testing. Allele origin: germline. Affected: yes. Observed: 1 variant allele.
Comment: INTS1: PM2

NM_001080453.3(INTS1):c.760C>G (p.Gln254Glu)

Gene: INTS1 (integrator complex subunit 1; minus strand). Cytogenetic location: 7p22.3.
Variant type: single nucleotide variant.
Coding change: c.760C>G on transcript NM_001080453.3 (MANE Select); coding-DNA position 760, C replaced by G.
Protein change: p.Gln254Glu; replaces glutamine 254 with glutamic acid.
Molecular consequence: missense variant.
Genome position (GRCh38, 1-based): chr7:1,499,557, G>C on the plus strand (C>G on the coding strand, the complement: INTS1 is on the minus strand). VCF-style: chr7-1499557-G-C. GRCh37 (hg19) VCF-style: chr7-1539193-G-C.
Other names: short protein forms Q254E.
Identifiers: ClinVar variation 3905916 (VCV003905916.10).